The following is an entry in ClinVar:

NM_001282531.3(ADNP):c.2884G>C (p.Val962Leu)

Gene: ADNP (activity dependent neuroprotector homeobox; minus strand). Cytogenetic location: 20q13.13.
Variant type: single nucleotide variant.
Coding change: c.2884G>C on transcript NM_001282531.3 (MANE Select); coding-DNA position 2884, G replaced by C.
Protein change: p.Val962Leu; replaces valine 962 with leucine.
Molecular consequence: missense variant.
Genome position (GRCh38, 1-based): chr20:50,891,830, C>G on the plus strand (G>C on the coding strand, the complement: ADNP is on the minus strand). VCF-style: chr20-50891830-C-G. GRCh37 (hg19) VCF-style: chr20-49508367-C-G.
Other names: c.2884G>C, p.Val962Leu (NM_001282532.2, NM_001347511.2, NM_015339.5 and 1 more transcripts); c.3100G>C, p.Val1034Leu (NM_001439000.1); c.2200G>C, p.Val734Leu (NM_001439001.1); short protein forms V1034L, V734L, V962L.
Identifiers: ClinVar variation 4535284 (VCV004535284.6).

ClinVar aggregate classification (germline): Uncertain significance (1 of 4 stars; one submission).

Submission:

CeGaT Center for Human Genetics Tuebingen
Classification: Uncertain significance. Last evaluated: 2025-11-01. Review status: criteria provided, single submitter. Criteria: CeGaT Center For Human Genetics Tuebingen Variant Classification Criteria Version 2. Collection method: clinical testing. Allele origin: germline. Affected: yes. Observed: 1 variant allele.
Comment: ADNP: PM2, BP4